The following is an entry in ClinVar:

NM_017849.4(TMEM127):c.505_507del (p.Val169del)

Gene: TMEM127 (transmembrane protein 127; minus strand). Cytogenetic location: 2q11.2.
Variant type: Deletion.
Coding change: c.505_507del on transcript NM_017849.4 (MANE Select); coding-DNA positions 505 to 507, 3 bases deleted (GTC; older notation c.505_507delGTC).
Protein change: p.Val169del; deletes valine 169.
Genome position (GRCh38, 1-based): chr2:96,254,018-96,254,020, GAC deleted on the plus strand (GTC on the coding strand, the reverse complement: TMEM127 is on the minus strand). VCF-style (leftmost placement, unchanged base first): chr2-96254017-AGAC-A. GRCh37 (hg19) VCF-style: chr2-96919755-AGAC-A.
Other names: c.505_507del, p.Val169del (NM_001193304.3); c.253_255del, p.Val85del (NM_001407282.1, NM_001407283.1); short protein forms V169del, V85del.
Identifiers: ClinVar variation 4841661 (VCV004841661.1).

ClinVar aggregate classification (germline): Uncertain significance (1 of 4 stars; one submission).

Conditions:
Hereditary cancer-predisposing syndrome. Also called: Neoplastic Syndromes, Hereditary; Tumor predisposition; Hereditary Cancer Syndrome; Hereditary neoplastic syndrome. Identifiers: Orphanet 140162, MedGen C0027672, MeSH D009386, MONDO:0015356.

Submission:

Ambry Genetics
Classification: Uncertain significance for Hereditary cancer-predisposing syndrome. Last evaluated: 2026-01-02. Review status: criteria provided, single submitter. Criteria: Ambry Variant Classification Scheme 2023. Collection method: clinical testing. Allele origin: germline.
Comment: The c.505_507delGTC variant (also known as p.V169del) is located in coding exon 3 of the TMEM127 gene. This variant results from an in-frame GTC deletion at nucleotide positions 505 to 507. This results in the in-frame deletion of a valine at codon 169. This amino acid position is well conserved in available vertebrate species. In addition, this variant is predicted to be deleterious by in silico analysis (Choi Y et al. PLoS ONE. 2012; 7(10):e46688). Based on the available evidence, the clinical significance of this variant remains unclear.